The following is an entry in ClinVar:

ClinVar aggregate classification (germline): Uncertain significance (1 of 4 stars; one submission).

Conditions:
LAMA2-related muscular dystrophy (LAMA2-RD). Also called: Laminin alpha 2-related dystrophy. Identifiers: MedGen C5679788, MONDO:0100228.

Submission:

Labcorp Genetics (formerly Invitae), Labcorp
Classification: Uncertain significance for LAMA2-related muscular dystrophy. Last evaluated: 2021-08-28. Review status: criteria provided, single submitter. Criteria: Invitae Variant Classification Sherloc (09022015). Collection method: clinical testing. Allele origin: germline.
Comment: This sequence change replaces aspartic acid with glycine at codon 454 of the LAMA2 protein (p.Asp454Gly). The aspartic acid residue is weakly conserved and there is a moderate physicochemical difference between aspartic acid and glycine. This variant is not present in population databases (ExAC no frequency). This variant has not been reported in the literature in individuals affected with LAMA2-related conditions. ClinVar contains an entry for this variant (Variation ID: 1005792). Advanced modeling of protein sequence and biophysical properties (such as structural, functional, and spatial information, amino acid conservation, physicochemical variation, residue mobility, and thermodynamic stability) performed at Invitae indicates that this missense variant is not expected to disrupt LAMA2 protein function. Algorithms developed to predict the effect of sequence changes on RNA splicing suggest that this variant may create or strengthen a splice site. In summary, the available evidence is currently insufficient to determine the role of this variant in disease. Therefore, it has been classified as a Variant of Uncertain Significance.

NM_000426.4(LAMA2):c.1361A>G (p.Asp454Gly)

Gene: LAMA2 (laminin subunit alpha 2; plus strand). Cytogenetic location: 6q22.33.
Variant type: single nucleotide variant.
Coding change: c.1361A>G on transcript NM_000426.4 (MANE Select); coding-DNA position 1361, A replaced by G.
Protein change: p.Asp454Gly; replaces aspartic acid 454 with glycine.
Molecular consequence: missense variant.
Genome position (GRCh38, 1-based): chr6:129,177,760, A>G. VCF-style: chr6-129177760-A-G. GRCh37 (hg19) VCF-style: chr6-129498905-A-G.
Other names: c.1361A>G, p.Asp454Gly (NM_001079823.2); short protein forms D454G.
Identifiers: ClinVar variation 1005792 (VCV001005792.6), dbSNP rs1780686763, ClinGen allele CA365607507.